The following is an entry in ClinVar:

NM_005912.3(MC4R):c.235A>G (p.Met79Val)

Gene: MC4R (melanocortin 4 receptor; minus strand). Cytogenetic location: 18q21.32.
Variant type: single nucleotide variant.
Coding change: c.235A>G on transcript NM_005912.3 (MANE Select); coding-DNA position 235, A replaced by G.
Protein change: p.Met79Val; replaces methionine 79 with valine.
Molecular consequence: missense variant.
Genome position (GRCh38, 1-based): chr18:60,372,115, T>C on the plus strand (A>G on the coding strand, the complement: MC4R is on the minus strand). VCF-style: chr18-60372115-T-C. GRCh37 (hg19) VCF-style: chr18-58039348-T-C.
Other names: c.235A>G (NM_005912.2); short protein forms M79V.
Identifiers: ClinVar variation 1356151 (VCV001356151.9), dbSNP rs2143967235, ClinGen allele CA402720251.
Genomic context (GRCh38, chr18:60,372,115, plus strand): 5'-ATCCATTTGAAACGCTCACCAGCATATCAGCCACAGCCAAGCTGCAGATGAAAAAGTACA[T>C]GGGTGAATGCAGATTCTTGTTCTTGGCTATTGCCACAATCACTAAGATATTCTCCAACAA-3'
Protein context (NP_005903.2, residues 69-89): IAKNKNLHSP[Met79Val]YFFICSLAVA

ClinVar aggregate classification (germline): Uncertain significance. Review status: criteria provided, multiple submitters, no conflicts (2 of 4 stars). 2 submissions from 2 submitters: Uncertain significance (2). Last evaluated 2023-07-16.

Conditions:
BODY MASS INDEX QUANTITATIVE TRAIT LOCUS 20 (BMIQ20). Also called: MELANOCORTIN 4 RECEPTOR DEFICIENCY; MC4R DEFICIENCY. Identifiers: MedGen C4759928, OMIM 618406.

Allele frequency attached by ClinVar (database versions not stated): gnomAD exomes below 0.00001.
gnomAD v4.1: 6 of 1,614,258 alleles (0.00037%); highest among the groups gnomAD compares: Non-Finnish European, 0.00051%; no homozygotes.

Submissions (2):

Victorian Clinical Genetics Services, Murdoch Childrens Research Institute
Classification: Uncertain significance for BODY MASS INDEX QUANTITATIVE TRAIT LOCUS 20. Last evaluated: 2023-07-16. Review status: criteria provided, single submitter. Criteria: ACMG Guidelines, 2015. Collection method: clinical testing. Allele origin: germline. Inheritance: Autosomal dominant inheritance. Affected: yes.
Comment: Based on the classification scheme VCGS_Germline_v1.3.4, this variant is classified as VUS-3A. Following criteria are met: 0103 - Loss of function and gain of function are known mechanisms of disease in this gene. Loss of function is associated with obesity (BMIQ20; MIM#618406), while gain of function is associated with obesity, resistence to (BMIQ20; MIM#618406) (PMID: 31002796). (I) 0108 - This gene is associated with both recessive and dominant disease. Inheritance is predominantly dominant, and individuals with recessive disease have a higher mean percentage body fat than those with dominant disease (OMIM). (I) 0112 - The condition associated with this gene has incomplete penetrance. Variants associated with obesity (BMIQ20; MIM#618406) are known to have variable penetrance (PMID: 29970488). (I) 0200 - Variant is predicted to result in a missense amino acid change from methionine to valine. (I) 0251 - This variant is heterozygous. (I) 0301 - Variant is absent from gnomAD (both v2 and v3). (SP) 0309 - An alternative amino acid change at the same position has been observed in gnomAD (v2) (1 heterozygote, 0 homozygote). (I) 0502 - Missense variant with conflicting in silico predictions and uninformative conservation. (I) 0600 - Variant is located in the annotated 7 transmembrane receptor domain (DECIPHER). (I) 0703 - Another missense variant comparable to the one identified in this case has moderate previous evidence for pathogenicity. p.(Met79Ile) has been observed in two families with obesity (PMIDs: 28377240, 19301229). (SP) 0809 - Previous evidence of pathogenicity for this variant is inconclusive. This variant has been classified as a VUS by a clinical laboratory in ClinVar. (I) 0905 - No published segregation evidence has been identified for this variant. (I) 1007 - No published functional evidence has been identified for this variant. (I) 1208 - Inheritance information for this variant is not currently available in this individual. (I) Legend: (SP) - Supporting pathogenic, (I) - Information, (SB) - Supporting benign

Labcorp Genetics (formerly Invitae), Labcorp
Classification: Uncertain significance. Last evaluated: 2021-07-11. Review status: criteria provided, single submitter. Criteria: Invitae Variant Classification Sherloc (09022015). Collection method: clinical testing. Allele origin: germline.
Comment: In summary, the available evidence is currently insufficient to determine the role of this variant in disease. Therefore, it has been classified as a Variant of Uncertain Significance. This sequence change replaces methionine with valine at codon 79 of the MC4R protein (p.Met79Val). The methionine residue is highly conserved and there is a small physicochemical difference between methionine and valine. This variant is not present in population databases (ExAC no frequency). This variant has not been reported in the literature in individuals with MC4R-related conditions. Advanced modeling of protein sequence and biophysical properties (such as structural, functional, and spatial information, amino acid conservation, physicochemical variation, residue mobility, and thermodynamic stability) performed at Invitae indicates that this missense variant is expected to disrupt MC4R protein function.

Literature cited by the submitters: PubMed 19301229 (cited by Victorian Clinical Genetics Services, Murdoch Childrens Research Institute); PubMed 28377240 (cited by Victorian Clinical Genetics Services, Murdoch Childrens Research Institute); PubMed 29970488 (cited by Victorian Clinical Genetics Services, Murdoch Childrens Research Institute); PubMed 31002796 (cited by Victorian Clinical Genetics Services, Murdoch Childrens Research Institute).